The following is an entry in ClinVar:

ClinVar aggregate classification (germline): Uncertain significance (1 of 4 stars; one submission).

Conditions:
Autism, susceptibility to, X-linked 4 (AUTSX4). Identifiers: MedGen C0795888, MONDO:0010440, OMIM 300830.

Submission:

Victorian Clinical Genetics Services, Murdoch Childrens Research Institute
Classification: Uncertain significance for Autism, susceptibility to, X-linked 4. Last evaluated: 2025-02-19. Review status: criteria provided, single submitter. Criteria: ACMG Guidelines, 2015. Collection method: clinical testing. Allele origin: germline. Affected: yes.
Comment: This variant is classified as VUS-3A. Evidence in support of pathogenic classification: Variant is absent from gnomAD (v2, v3 and v4); Missense variant predicted to be damaging by in silico tool(s) or highly conserved with a major amino acid change. Additional information: Variant is predicted to result in a missense amino acid change from serine to phenylalanine; This variant is hemizygous; This gene is associated with X-linked recessive disease; This variant has no previous evidence of pathogenicity; No published segregation evidence has been identified for this variant; No published functional evidence has been identified for this variant; No comparable missense variants have previous evidence for pathogenicity; Variant is located in the annotated patched sterol-sensing domain (DECIPHER, InterPro); Loss of function is a known mechanism of disease in this gene and is associated with intellectual disability (MIM#300830); Variants in this gene are known to have variable expressivity (PMID: 25131214).

Literature cited by the submitters: PubMed 25131214.

NM_173495.3(PTCHD1):c.1046C>T (p.Ser349Phe)

Gene: PTCHD1 (patched domain containing 1; plus strand). Cytogenetic location: Xp22.11.
Variant type: single nucleotide variant.
Coding change: c.1046C>T on transcript NM_173495.3 (MANE Select); coding-DNA position 1046, C replaced by T.
Protein change: p.Ser349Phe; replaces serine 349 with phenylalanine.
Molecular consequence: missense variant.
Genome position (GRCh38, 1-based): chrX:23,392,564, C>T. VCF-style: chrX-23392564-C-T. GRCh37 (hg19) VCF-style: chrX-23410681-C-T.
Other names: short protein forms S349F.
Identifiers: ClinVar variation 4532183 (VCV004532183.1).